The following is an entry in ClinVar:

ClinVar aggregate classification (germline): Uncertain significance (1 of 4 stars; one submission).

Conditions:
Symmetrical dyschromatosis of extremities (DSH). Also called: RETICULATE ACROPIGMENTATION OF DOHI; SYMMETRIC DYSCHROMATOSIS OF THE EXTREMITIES; DYSCHROMATOSIS SYMMETRICA HEREDITARIA 1; Dyschromatosis symmetrica hereditaria. Identifiers: Orphanet 41, MedGen C0406775, MONDO:0007483, OMIM 127400.
Aicardi-Goutieres syndrome 6 (AGS6). Identifiers: Orphanet 51, MedGen C3539013, MONDO:0014007, OMIM 615010.

Submission:

Labcorp Genetics (formerly Invitae), Labcorp
Classification: Uncertain significance for Aicardi-Goutieres syndrome 6; Symmetrical dyschromatosis of extremities. Last evaluated: 2023-05-25. Review status: criteria provided, single submitter. Criteria: Invitae Variant Classification Sherloc (09022015). Collection method: clinical testing. Allele origin: germline.
Comment: This sequence change replaces aspartic acid, which is acidic and polar, with glutamic acid, which is acidic and polar, at codon 224 of the ADAR protein (p.Asp224Glu). This variant is not present in population databases (gnomAD no frequency). This variant has not been reported in the literature in individuals affected with ADAR-related conditions. Algorithms developed to predict the effect of missense changes on protein structure and function output the following: SIFT: "Not Available"; PolyPhen-2: "Not Available"; Align-GVGD: "Not Available". The glutamic acid amino acid residue is found in multiple mammalian species, which suggests that this missense change does not adversely affect protein function. In summary, the available evidence is currently insufficient to determine the role of this variant in disease. Therefore, it has been classified as a Variant of Uncertain Significance.

NM_001111.5(ADAR):c.672C>A (p.Asp224Glu)

Gene: ADAR (adenosine deaminase RNA specific; minus strand). Cytogenetic location: 1q21.3.
Variant type: single nucleotide variant.
Coding change: c.672C>A on transcript NM_001111.5 (MANE Select); coding-DNA position 672, C replaced by A.
Protein change: p.Asp224Glu; replaces aspartic acid 224 with glutamic acid.
Molecular consequence: missense variant. On other transcripts: 5 prime UTR variant (6).
Genome position (GRCh38, 1-based): chr1:154,601,970, G>T on the plus strand (C>A on the coding strand, the complement: ADAR is on the minus strand). VCF-style: chr1-154601970-G-T. GRCh37 (hg19) VCF-style: chr1-154574446-G-T.
Other names: c.-214C>A (NM_001025107.3, NM_001193495.2, NM_001365046.1 and 3 more transcripts); c.699C>A, p.Asp233Glu (NM_001365045.1); c.672C>A, p.Asp224Glu (NM_015840.4, NM_015841.4); short protein forms D233E, D224E.
Identifiers: ClinVar variation 2927143 (VCV002927143.3), dbSNP rs1697910502, ClinGen allele CA342600496.
Genomic context (GRCh38, chr1:154,601,970, plus strand): 5'-AGGCTCAAGAAGATCTTCTGAGACAGATGTGGAGTTTCTGTCTTCCGGTTCCAAACTCGG[G>T]TCTGAGTTTGGGGCTCCTTGGCTATGACCGTCTGGTCTTACCACTCCGCTGTGCTGGTTC-3'
Protein context (NP_001102.3, residues 214-234): DGHSQGAPNS[Asp224Glu]PSLEPEDRNS